The following is an entry in ClinVar:

NM_002528.7(NTHL1):c.172G>A (p.Val58Met)

Gene: NTHL1 (nth like DNA glycosylase 1; minus strand). Cytogenetic location: 16p13.3.
Variant type: single nucleotide variant.
Coding change: c.172G>A on transcript NM_002528.7 (MANE Select); coding-DNA position 172, G replaced by A.
Protein change: p.Val58Met; replaces valine 58 with methionine.
Molecular consequence: missense variant. On other transcripts: 5 prime UTR variant (1).
Genome position (GRCh38, 1-based): chr16:2,046,310, C>T on the plus strand (G>A on the coding strand, the complement: NTHL1 is on the minus strand). VCF-style: chr16-2046310-C-T. GRCh37 (hg19) VCF-style: chr16-2096311-C-T.
Other names: c.196G>A (NM_002528.5); c.172G>A, p.Val58Met (NM_001318193.2); c.-7G>A (NM_001318194.2); short protein forms V58M.
Identifiers: ClinVar variation 1383001 (VCV001383001.9), dbSNP rs1177326558, ClinGen allele CA394297850.

ClinVar aggregate classification (germline): Uncertain significance. Review status: criteria provided, multiple submitters, no conflicts (2 of 4 stars). 2 submissions from 2 submitters: Uncertain significance (2). Last evaluated 2025-09-04.

Conditions:
Hereditary cancer-predisposing syndrome. Also called: Tumor predisposition; Neoplastic Syndromes, Hereditary; Hereditary Cancer Syndrome; Hereditary neoplastic syndrome. Identifiers: Orphanet 140162, MedGen C0027672, MeSH D009386, MONDO:0015356.

gnomAD v4.1: 5 of 1,612,636 alleles (0.00031%); highest among the groups gnomAD compares: Non-Finnish European, 0.00042%; no homozygotes.

Submissions (2):

Ambry Genetics
Classification: Uncertain significance for Hereditary cancer-predisposing syndrome. Last evaluated: 2025-09-04. Review status: criteria provided, single submitter. Criteria: Ambry Variant Classification Scheme 2023. Collection method: clinical testing. Allele origin: germline.
Comment: The p.V66M variant (also known as c.196G>A), located in coding exon 2 of the NTHL1 gene, results from a G to A substitution at nucleotide position 196. The valine at codon 66 is replaced by methionine, an amino acid with highly similar properties. This amino acid position is conserved. In addition, this alteration is predicted to be tolerated by in silico analysis. Since supporting evidence is limited at this time, the clinical significance of this alteration remains unclear.

Labcorp Genetics (formerly Invitae), Labcorp
Classification: Uncertain significance. Last evaluated: 2020-10-21. Review status: criteria provided, single submitter. Criteria: Invitae Variant Classification Sherloc (09022015). Collection method: clinical testing. Allele origin: germline.
Comment: This sequence change replaces valine with methionine at codon 66 of the NTHL1 protein (p.Val66Met). The valine residue is moderately conserved and there is a small physicochemical difference between valine and methionine. In summary, the available evidence is currently insufficient to determine the role of this variant in disease. Therefore, it has been classified as a Variant of Uncertain Significance. Algorithms developed to predict the effect of missense changes on protein structure and function output the following: SIFT: "Not Available"; PolyPhen-2: "Benign"; Align-GVGD: "Not Available". The methionine amino acid residue is found in multiple mammalian species, suggesting that this missense change does not adversely affect protein function. These predictions have not been confirmed by published functional studies and their clinical significance is uncertain. This variant has not been reported in the literature in individuals with NTHL1-related conditions. This variant is not present in population databases (ExAC no frequency).